The following is an entry in ClinVar:

NM_000143.4(FH):c.1526C>T (p.Pro509Leu)

Gene: FH (fumarate hydratase; minus strand). Cytogenetic location: 1q43.
Variant type: single nucleotide variant.
Coding change: c.1526C>T on transcript NM_000143.4 (MANE Select); coding-DNA position 1526, C replaced by T.
Protein change: p.Pro509Leu; replaces proline 509 with leucine.
Molecular consequence: missense variant.
Genome position (GRCh38, 1-based): chr1:241,497,835, G>A on the plus strand (C>T on the coding strand, the complement: FH is on the minus strand). VCF-style: chr1-241497835-G-A. GRCh37 (hg19) VCF-style: chr1-241661135-G-A.
Other names: short protein forms P509L.
Identifiers: ClinVar variation 480775 (VCV000480775.5), dbSNP rs1553340499, ClinGen allele CA345449932.

ClinVar aggregate classification (germline): Uncertain significance (1 of 4 stars; one submission).

Conditions:
Hereditary cancer-predisposing syndrome. Also called: Hereditary Cancer Syndrome; Neoplastic Syndromes, Hereditary; Tumor predisposition; Hereditary neoplastic syndrome. Identifiers: Orphanet 140162, MedGen C0027672, MeSH D009386, MONDO:0015356.

Submission:

Ambry Genetics
Classification: Uncertain significance for Hereditary cancer-predisposing syndrome. Last evaluated: 2016-02-16. Review status: criteria provided, single submitter. Criteria: Ambry Variant Classification Scheme 2023. Collection method: clinical testing. Allele origin: germline.
Comment: The p.P509L variant (also known as c.1526C>T), located in coding exon 10 of the FH gene, results from a C to T substitution at nucleotide position 1526. The proline at codon 509 is replaced by leucine, an amino acid with similar properties. This variant was not reported in population based cohorts in the following databases: Database of Single Nucleotide Polymorphisms (dbSNP), NHLBI Exome Sequencing Project (ESP), and 1000 Genomes Project. In the ESP, this variant was not observed in 6499 samples (12998 alleles) with coverage at this position. To date, this alteration has been detected with an allele frequency of approximately 0.01% (greater than 10000 alleles tested) in our clinical cohort. This amino acid position is highly conserved in available vertebrate species. In addition, this alteration is predicted to be deleterious by in silico analysis. Since supporting evidence is limited at this time, the clinical significance of this alteration remains unclear.